The following is an entry in ClinVar:

ClinVar aggregate classification (germline): Uncertain significance (1 of 4 stars; one submission).

Conditions:
Glycogen storage disease due to muscle beta-enolase deficiency (GSD13). Also called: ENOLASE 3 DEFICIENCY; ENOLASE-BETA DEFICIENCY; GSD XIII; Glycogen Storage Disease Type XIII. Identifiers: Orphanet 99849, MedGen C2752027, MONDO:0013046, OMIM 612932.

Allele frequency attached by ClinVar (database versions not stated): gnomAD exomes 0.00001; TOPMed 0.00001; ExAC 0.00002.
gnomAD v4.1: 11 of 1,614,106 alleles (0.00068%); highest among the groups gnomAD compares: Non-Finnish European, 0.00093%; no homozygotes.

Submission:

Labcorp Genetics (formerly Invitae), Labcorp
Classification: Uncertain significance for Glycogen storage disease due to muscle beta-enolase deficiency. Last evaluated: 2022-06-04. Review status: criteria provided, single submitter. Criteria: Invitae Variant Classification Sherloc (09022015). Collection method: clinical testing. Allele origin: germline.
Comment: This sequence change replaces alanine, which is neutral and non-polar, with threonine, which is neutral and polar, at codon 27 of the ENO3 protein (p.Ala27Thr). This variant is present in population databases (rs766310955, gnomAD 0.002%). This variant has not been reported in the literature in individuals affected with ENO3-related conditions. ClinVar contains an entry for this variant (Variation ID: 1023135). Algorithms developed to predict the effect of missense changes on protein structure and function (SIFT, PolyPhen-2, Align-GVGD) all suggest that this variant is likely to be tolerated. In summary, the available evidence is currently insufficient to determine the role of this variant in disease. Therefore, it has been classified as a Variant of Uncertain Significance.

NM_053013.4(ENO3):c.79G>A (p.Ala27Thr)

Gene: ENO3 (enolase 3; plus strand). Cytogenetic location: 17p13.2.
Variant type: single nucleotide variant.
Coding change: c.79G>A on transcript NM_053013.4 (MANE Select); coding-DNA position 79, G replaced by A.
Protein change: p.Ala27Thr; replaces alanine 27 with threonine.
Molecular consequence: missense variant.
Genome position (GRCh38, 1-based): chr17:4,951,908, G>A. VCF-style: chr17-4951908-G-A. GRCh37 (hg19) VCF-style: chr17-4855203-G-A.
Other names: c.79G>A, p.Ala27Thr (NM_001193503.2, NM_001374523.1, NM_001976.5); c.106G>A, p.Ala36Thr (NM_001374524.1); short protein forms A27T, A36T.
Identifiers: ClinVar variation 1023135 (VCV001023135.6), dbSNP rs766310955, ClinGen allele CA8316083.